The following is an entry in ClinVar:

NM_001184880.2(PCDH19):c.700A>G (p.Asn234Asp)

Gene: PCDH19 (protocadherin 19; minus strand). Cytogenetic location: Xq22.1.
Variant type: single nucleotide variant.
Coding change: c.700A>G on transcript NM_001184880.2 (MANE Select); coding-DNA position 700, A replaced by G.
Protein change: p.Asn234Asp; replaces asparagine 234 with aspartic acid.
Molecular consequence: missense variant.
Genome position (GRCh38, 1-based): chrX:100,407,898, T>C on the plus strand (A>G on the coding strand, the complement: PCDH19 is on the minus strand). VCF-style: chrX-100407898-T-C. GRCh37 (hg19) VCF-style: chrX-99662896-T-C.
Other names: c.700A>G, p.Asn234Asp (NM_001105243.2, NM_020766.3); short protein forms N234D.
Identifiers: ClinVar variation 848462 (VCV000848462.13), dbSNP rs1928438552, ClinGen allele CA414008587.
Genomic context (GRCh38, chrX:100,407,898, plus strand): 5'-TGGGAGGCGAGTTTTCTGGCACGCTCACCGCGTAGGTGGACTCGCTAAACACCGGGTTGT[T>C]GTCATTGGAGTCGGTCACCTTGATACTAAGGCCAACGGTGCCCAGGCGCGGCGGGTCGCC-3'
Protein context (NP_001171809.1, residues 224-244): LSIKVTDSND[Asn234Asp]NPVFSESTYA

ClinVar aggregate classification (germline): Conflicting classifications of pathogenicity. Review status: criteria provided, conflicting classifications (1 of 4 stars). 2 submissions from 2 submitters: Pathogenic (1); Uncertain significance (1). Last evaluated 2024-09-06.

Conditions:
Developmental and epileptic encephalopathy, 9 (DEE9). Also called: Early infantile epileptic encephalopathy 9; EPILEPSY, FEMALE-RESTRICTED, WITH MENTAL RETARDATION; JUBERG-HELLMAN SYNDROME; PCDH19-Related X-Linked Female-Limited Epilepsy with Mental Retardation. Identifiers: Orphanet 101039, Orphanet 2076, MedGen C1848137, MONDO:0010246, OMIM 300088. Disease mechanism: loss of function.

Submissions (2):

Labcorp Genetics (formerly Invitae), Labcorp
Classification: Pathogenic for Developmental and epileptic encephalopathy, 9. Last evaluated: 2024-09-06. Review status: criteria provided, single submitter. Criteria: Invitae Variant Classification Sherloc (09022015). Collection method: clinical testing. Allele origin: germline.
Comment: This sequence change replaces asparagine, which is neutral and polar, with aspartic acid, which is acidic and polar, at codon 234 of the PCDH19 protein (p.Asn234Asp). This variant is not present in population databases (gnomAD no frequency). This missense change has been observed in individual(s) with clinical features of developmental and epileptic encephalopathy (internal data). In at least one individual the variant was observed to be de novo. ClinVar contains an entry for this variant (Variation ID: 848462). Invitae Evidence Modeling of protein sequence and biophysical properties (such as structural, functional, and spatial information, amino acid conservation, physicochemical variation, residue mobility, and thermodynamic stability) indicates that this missense variant is expected to disrupt PCDH19 protein function with a positive predictive value of 95%. This variant disrupts the p.Asn234 amino acid residue in PCDH19. Other variant(s) that disrupt this residue have been determined to be pathogenic (internal data). This suggests that this residue is clinically significant, and that variants that disrupt this residue are likely to be disease-causing. For these reasons, this variant has been classified as Pathogenic.

Blueprint Genetics
Classification: Uncertain significance. Last evaluated: 2023-06-23. Review status: criteria provided, single submitter. Criteria: ACMG Guidelines, 2015. Collection method: clinical testing. Allele origin: germline.